The following is an entry in ClinVar:

ClinVar aggregate classification (germline): Uncertain significance (1 of 4 stars; one submission).

Allele frequency attached by ClinVar (database versions not stated): 1000 Genomes Project 30x 0.00016.
gnomAD v4.1: 3 of 1,613,622 alleles (0.00019%); highest among the groups gnomAD compares: East Asian, 0.0045%; no homozygotes.

Submission:

Labcorp Genetics (formerly Invitae), Labcorp
Classification: Uncertain significance. Last evaluated: 2023-12-02. Review status: criteria provided, single submitter. Criteria: Invitae Variant Classification Sherloc (09022015). Collection method: clinical testing. Allele origin: germline.
Comment: This sequence change replaces alanine, which is neutral and non-polar, with serine, which is neutral and polar, at codon 2136 of the CACNA1E protein (p.Ala2136Ser). This variant is present in population databases (no rsID available, gnomAD 0.003%). This variant has not been reported in the literature in individuals affected with CACNA1E-related conditions. Advanced modeling of protein sequence and biophysical properties (such as structural, functional, and spatial information, amino acid conservation, physicochemical variation, residue mobility, and thermodynamic stability) performed at Invitae indicates that this missense variant is not expected to disrupt CACNA1E protein function with a negative predictive value of 95%. In summary, the available evidence is currently insufficient to determine the role of this variant in disease. Therefore, it has been classified as a Variant of Uncertain Significance.

NM_001205293.3(CACNA1E):c.6535G>T (p.Ala2179Ser)

Gene: CACNA1E (calcium voltage-gated channel subunit alpha1 E; plus strand). Cytogenetic location: 1q25.3.
Variant type: single nucleotide variant.
Coding change: c.6535G>T on transcript NM_001205293.3 (MANE Select); coding-DNA position 6535, G replaced by T.
Protein change: p.Ala2179Ser; replaces alanine 2179 with serine.
Molecular consequence: missense variant.
Genome position (GRCh38, 1-based): chr1:181,798,427, G>T. VCF-style: chr1-181798427-G-T. GRCh37 (hg19) VCF-style: chr1-181767563-G-T.
Other names: c.6406G>T, p.Ala2136Ser (NM_000721.4); c.6349G>T, p.Ala2117Ser (NM_001205294.2); short protein forms A2136S, A2117S, A2179S.
Identifiers: ClinVar variation 2700484 (VCV002700484.3), dbSNP rs748177305, ClinGen allele CA343844989.